The following is an entry in ClinVar:

NM_001077350.3(NPRL3):c.1162-1G>C

Genes: HBA-LCR (alpha-globin locus control region; plus strand), NPRL3 (NPR3 like, GATOR1 complex subunit; minus strand). Cytogenetic location: 16p13.3.
Variant type: single nucleotide variant.
Coding change: c.1162-1G>C on transcript NM_001077350.3 (MANE Select); the canonical splice acceptor site of the intron before coding-DNA position 1162, G replaced by C.
Molecular consequence: splice acceptor variant.
Genome position (GRCh38, 1-based): chr16:89,903, C>G on the plus strand (G>C on the coding strand, the complement: NPRL3 is on the minus strand). VCF-style: chr16-89903-C-G. GRCh37 (hg19) VCF-style: chr16-139901-C-G.
Other names: c.928-1G>C (NM_001243247.2); c.1087-1G>C (NM_001243248.2, NM_001243249.2); c.625-1G>C (NM_001039476.3).
Identifiers: ClinVar variation 542800 (VCV000542800.14), dbSNP rs751418986, ClinGen allele CA7769421.

ClinVar aggregate classification (germline): Conflicting classifications of pathogenicity. Review status: criteria provided, conflicting classifications (1 of 4 stars). 2 submissions from 2 submitters: Uncertain significance (1); Likely benign (1). Last evaluated 2026-01-13.

Conditions:
Epilepsy, familial focal, with variable foci 3 (FFEVF3). Identifiers: MedGen C4310708, MONDO:0014925, OMIM 617118.

Allele frequency attached by ClinVar (database versions not stated): gnomAD 0.00002; ExAC 0.00005; gnomAD exomes 0.00005 and 0.00017; TOPMed 0.00008.
gnomAD v4.1: 29 of 1,545,088 alleles (0.0019%); highest among the groups gnomAD compares: Admixed American, 0.056%; no homozygotes.

Submissions (2):

Labcorp Genetics (formerly Invitae), Labcorp
Classification: Likely benign for Epilepsy, familial focal, with variable foci 3. Last evaluated: 2026-01-13. Review status: criteria provided, single submitter. Criteria: Invitae Variant Classification Sherloc (09022015). Collection method: clinical testing. Allele origin: germline.

Women's Health and Genetics/Laboratory Corporation of America, LabCorp
Classification: Uncertain significance. Last evaluated: 2025-06-09. Review status: criteria provided, single submitter. Criteria: LabCorp Variant Classification Summary - May 2015. Collection method: clinical testing. Allele origin: germline.
Comment: Variant summary: NPRL3 c.1162-1G>C is located in a canonical splice-site and is predicted to affect mRNA splicing resulting in a significantly altered protein due to either exon skipping, shortening, or inclusion of intronic material. Variants that disrupt the consensus splice site are a relatively common cause of aberrant splicing and loss of NPRL3 function. Several computational tools predict a significant impact on normal splicing: Four predict the variant abolishes a 3' acceptor site. Two predict the variant creates a 3' acceptor site. However, these predictions have yet to be confirmed by functional studies. The variant allele was found at a frequency of 0.00017 in 147298 control chromosomes, predominantly at a frequency of 0.001 within the Latino subpopulation in the gnomAD database. The observed variant frequency within Latino control individuals in the gnomAD database exceeds the estimated maximal expected allele frequency for a pathogenic variant in NPRL3 causing Epilepsy, Familial Focal, With Variable Foci 1 phenotype. To our knowledge, no occurrence of c.1162-1G>C in individuals affected with Epilepsy, Familial Focal, With Variable Foci 1 and no experimental evidence demonstrating its impact on protein function have been reported. ClinVar contains an entry for this variant (Variation ID: 542800). Based on the evidence outlined above, the variant was classified as uncertain significance.